The following is an entry in ClinVar:

NM_002857.4(PEX19):c.23G>T (p.Cys8Phe)

Gene: PEX19 (peroxisomal biogenesis factor 19; minus strand). Cytogenetic location: 1q23.2.
Variant type: single nucleotide variant.
Coding change: c.23G>T on transcript NM_002857.4 (MANE Select); coding-DNA position 23, G replaced by T.
Protein change: p.Cys8Phe; replaces cysteine 8 with phenylalanine.
Molecular consequence: missense variant. On other transcripts: non-coding transcript variant (2).
Genome position (GRCh38, 1-based): chr1:160,285,102, C>A on the plus strand (G>T on the coding strand, the complement: PEX19 is on the minus strand). VCF-style: chr1-160285102-C-A. GRCh37 (hg19) VCF-style: chr1-160254892-C-A.
Other names: c.23G>T, p.Cys8Phe (NM_001193644.1); c.23G>T (NM_002857.3); short protein forms C8F.
Identifiers: ClinVar variation 1006825 (VCV001006825.8), dbSNP rs369984634, ClinGen allele CA1197516.

ClinVar aggregate classification (germline): Uncertain significance. Review status: criteria provided, multiple submitters, no conflicts (2 of 4 stars). 3 submissions from 3 submitters: Uncertain significance (3). Last evaluated 2025-08-14.

Conditions:
PEX19-related disorder. Also called: PEX19-related condition.
Peroxisome biogenesis disorder 12A (Zellweger). Also called: Peroxisome biogenesis disorder 12A. Identifiers: Orphanet 912, MedGen C3554002, MONDO:0013951, OMIM 614886.
Inborn genetic diseases. Identifiers: MedGen C0950123, MeSH D030342.

Allele frequency attached by ClinVar (database versions not stated): TOPMed 0.00001.
gnomAD v4.1: 9 of 1,613,862 alleles (0.00056%); highest among the groups gnomAD compares: African/African-American, 0.011%; no homozygotes.

Submissions (3):

PreventionGenetics, part of Exact Sciences
Classification: Uncertain significance for PEX19-related condition. Last evaluated: 2025-08-14. Review status: criteria provided, single submitter. Criteria: ACMG Guidelines, 2015. Collection method: clinical testing. Allele origin: germline.
Comment: The PEX19 c.23G>T variant is predicted to result in the amino acid substitution p.Cys8Phe. To our knowledge, this variant has not been reported in the literature. This variant is reported in 0.012% of alleles in individuals of African descent in gnomAD. At this time, the clinical significance of this variant is uncertain due to the absence of conclusive functional and genetic evidence.

Ambry Genetics
Classification: Uncertain significance for Inborn genetic diseases. Last evaluated: 2025-03-27. Review status: criteria provided, single submitter. Criteria: Ambry Variant Classification Scheme 2023. Collection method: clinical testing. Allele origin: germline.

Labcorp Genetics (formerly Invitae), Labcorp
Classification: Uncertain significance for Peroxisome biogenesis disorder 12A (Zellweger). Last evaluated: 2022-10-05. Review status: criteria provided, single submitter. Criteria: Invitae Variant Classification Sherloc (09022015). Collection method: clinical testing. Allele origin: germline.
Comment: This sequence change replaces cysteine, which is neutral and slightly polar, with phenylalanine, which is neutral and non-polar, at codon 8 of the PEX19 protein (p.Cys8Phe). This variant is present in population databases (rs369984634, gnomAD 0.01%). This variant has not been reported in the literature in individuals affected with PEX19-related conditions. ClinVar contains an entry for this variant (Variation ID: 1006825). Algorithms developed to predict the effect of missense changes on protein structure and function (SIFT, PolyPhen-2, Align-GVGD) all suggest that this variant is likely to be tolerated. In summary, the available evidence is currently insufficient to determine the role of this variant in disease. Therefore, it has been classified as a Variant of Uncertain Significance.